The following is an entry in ClinVar:

NM_004826.4(ECEL1):c.1191G>C (p.Leu397=)

Gene: ECEL1 (endothelin converting enzyme like 1; minus strand). Cytogenetic location: 2q37.1.
Variant type: single nucleotide variant.
Coding change: c.1191G>C on transcript NM_004826.4 (MANE Select); coding-DNA position 1191, G replaced by C.
Protein change: p.Leu397=; no amino-acid change (leucine 397 retained).
Molecular consequence: synonymous variant.
Genome position (GRCh38, 1-based): chr2:232,484,217, C>G on the plus strand (G>C on the coding strand, the complement: ECEL1 is on the minus strand). VCF-style: chr2-232484217-C-G. GRCh37 (hg19) VCF-style: chr2-233348927-C-G.
Other names: c.1191G>C, p.Leu397= (NM_001290787.2).
Identifiers: ClinVar variation 4992859 (VCV004992859.1).

ClinVar aggregate classification (germline): Likely benign (1 of 4 stars; one submission).

Conditions:
ECEL1-related disorder. Also called: ECEL1-related condition.

gnomAD v4.1: 1 of 1,610,868 alleles (0.000062%); no homozygotes.

Submission:

PreventionGenetics, part of Exact Sciences
Classification: Likely benign for ECEL1-related condition. Last evaluated: 2025-10-06. Review status: criteria provided, single submitter. Criteria: ACMG Guidelines, 2015. Collection method: clinical testing. Allele origin: germline.
Comment: This variant is classified as likely benign based on ACMG/AMP sequence variant interpretation guidelines (Richards et al. 2015 PMID: 25741868, with internal and published modifications).